The following is an entry in ClinVar:

NM_212482.4(FN1):c.3517C>T (p.Pro1173Ser)

Gene: FN1 (fibronectin 1; minus strand). Cytogenetic location: 2q35.
Variant type: single nucleotide variant.
Coding change: c.3517C>T on transcript NM_212482.4 (MANE Select); coding-DNA position 3517, C replaced by T.
Protein change: p.Pro1173Ser; replaces proline 1173 with serine.
Molecular consequence: missense variant.
Genome position (GRCh38, 1-based): chr2:215,397,680, G>A on the plus strand (C>T on the coding strand, the complement: FN1 is on the minus strand). VCF-style: chr2-215397680-G-A. GRCh37 (hg19) VCF-style: chr2-216262403-G-A.
Other names: c.3517C>T, p.Pro1173Ser (NM_001365520.2, NM_001365521.2, NM_001365522.2 and 13 more transcripts); short protein forms P1173S.
Identifiers: ClinVar variation 3678592 (VCV003678592.2).

ClinVar aggregate classification (germline): Uncertain significance (1 of 4 stars; one submission).

gnomAD v4.1: 12 of 1,613,614 alleles (0.00074%); highest among the groups gnomAD compares: East Asian, 0.0045%; no homozygotes.

Submission:

Labcorp Genetics (formerly Invitae), Labcorp
Classification: Uncertain significance. Last evaluated: 2024-04-04. Review status: criteria provided, single submitter. Criteria: Invitae Variant Classification Sherloc (09022015). Collection method: clinical testing. Allele origin: germline.
Comment: This sequence change replaces proline, which is neutral and non-polar, with serine, which is neutral and polar, at codon 1173 of the FN1 protein (p.Pro1173Ser). This variant is not present in population databases (gnomAD no frequency). This variant has not been reported in the literature in individuals affected with FN1-related conditions. An algorithm developed to predict the effect of missense changes on protein structure and function (PolyPhen-2) suggests that this variant is likely to be tolerated. In summary, the available evidence is currently insufficient to determine the role of this variant in disease. Therefore, it has been classified as a Variant of Uncertain Significance.